The following is an entry in ClinVar:

NM_000082.4(ERCC8):c.*105T>C

Gene: ERCC8 (ERCC excision repair 8, CSA ubiquitin ligase complex subunit; minus strand). Cytogenetic location: 5q12.1.
Variant type: single nucleotide variant.
Coding change: c.*105T>C on transcript NM_000082.4 (MANE Select); 105 bases downstream of the stop codon, T replaced by C.
Molecular consequence: 3 prime UTR variant.
Genome position (GRCh38, 1-based): chr5:60,874,510, A>G on the plus strand (T>C on the coding strand, the complement: ERCC8 is on the minus strand). VCF-style: chr5-60874510-A-G. GRCh37 (hg19) VCF-style: chr5-60170337-A-G.
Other names: c.*105T>C (NM_001007233.3, NM_001290285.2).
Identifiers: ClinVar variation 354011 (VCV000354011.9), dbSNP rs3117, ClinGen allele CA10622068.

ClinVar aggregate classification (germline): Benign. Review status: criteria provided, multiple submitters, no conflicts (2 of 4 stars). 3 submissions from 3 submitters: Benign (3). Last evaluated 2018-07-09.

Conditions:
Cockayne syndrome type 1. Also called: Cockayne syndrome type I; Cockayne syndrome classical; Cockayne syndrome classic form. Identifiers: Orphanet 191, Orphanet 90321, MedGen C0751039, MONDO:0019569, OMIM 216400.

Allele frequency attached by ClinVar (database versions not stated): 1000 Genomes Project 0.30671; 1000 Genomes Project 30x 0.31027; TOPMed 0.35930; gnomAD exomes 0.36280; gnomAD 0.36473 and 0.36900.
gnomAD v4.1: 332,282 of 915,126 alleles (36%); highest among the groups gnomAD compares: Middle Eastern, 43%; 63,483 homozygotes.

Submissions (3):

GeneDx
Classification: Benign. Last evaluated: 2018-07-09. Review status: criteria provided, single submitter. Criteria: GeneDx Variant Classification Process June 2021. Collection method: clinical testing. Allele origin: germline. Affected: yes.

Illumina Laboratory Services, Illumina
Classification: Benign for Cockayne syndrome type 1. Last evaluated: 2018-01-12. Review status: criteria provided, single submitter. Criteria: ICSL Variant Classification Criteria 13 December 2019. Collection method: clinical testing. Allele origin: germline.
Comment: This variant was observed in the ICSL laboratory as part of a predisposition screen in an ostensibly healthy population. It had not been previously curated by ICSL or reported in the Human Gene Mutation Database (HGMD: prior to June 1st, 2018), and was therefore a candidate for classification through an automated scoring system. Utilizing variant allele frequency, disease prevalence and penetrance estimates, and inheritance mode, an automated score was calculated to assess if this variant is too frequent to cause the disease. Based on the score and internal cut-off values, a variant classified as benign is not then subjected to further curation. The score for this variant resulted in a classification of benign for this disease.

Breakthrough Genomics
Classification: Benign. Review status: criteria provided, single submitter. Criteria: ACMG Guidelines, 2015. Collection method: not provided. Allele origin: germline. Inheritance: Autosomal recessive inheritance. Affected: yes.